The following is an entry in ClinVar:

ClinVar aggregate classification (germline): Uncertain significance (1 of 4 stars; one submission).

Submission:

Labcorp Genetics (formerly Invitae), Labcorp
Classification: Uncertain significance. Last evaluated: 2024-04-16. Review status: criteria provided, single submitter. Criteria: Invitae Variant Classification Sherloc (09022015). Collection method: clinical testing. Allele origin: germline.
Comment: This sequence change replaces glycine, which is neutral and non-polar, with aspartic acid, which is acidic and polar, at codon 1032 of the FN1 protein (p.Gly1032Asp). This variant is not present in population databases (gnomAD no frequency). This variant has not been reported in the literature in individuals affected with FN1-related conditions. Advanced modeling of protein sequence and biophysical properties (such as structural, functional, and spatial information, amino acid conservation, physicochemical variation, residue mobility, and thermodynamic stability) performed at Invitae indicates that this missense variant is not expected to disrupt FN1 protein function with a negative predictive value of 80%. In summary, the available evidence is currently insufficient to determine the role of this variant in disease. Therefore, it has been classified as a Variant of Uncertain Significance.

NM_212482.4(FN1):c.3095G>A (p.Gly1032Asp)

Gene: FN1 (fibronectin 1; minus strand). Cytogenetic location: 2q35.
Variant type: single nucleotide variant.
Coding change: c.3095G>A on transcript NM_212482.4 (MANE Select); coding-DNA position 3095, G replaced by A.
Protein change: p.Gly1032Asp; replaces glycine 1032 with aspartic acid.
Molecular consequence: missense variant.
Genome position (GRCh38, 1-based): chr2:215,404,547, C>T on the plus strand (G>A on the coding strand, the complement: FN1 is on the minus strand). VCF-style: chr2-215404547-C-T. GRCh37 (hg19) VCF-style: chr2-216269270-C-T.
Other names: c.3095G>A, p.Gly1032Asp (NM_001306129.2, NM_001306130.2, NM_001306131.2 and 13 more transcripts); short protein forms G1032D.
Identifiers: ClinVar variation 3609159 (VCV003609159.2).